The following is an entry in ClinVar:

NM_012268.4(PLD3):c.102G>T (p.Lys34Asn)

Gene: PLD3 (phospholipase D family member 3; plus strand). Cytogenetic location: 19q13.2.
Variant type: single nucleotide variant.
Coding change: c.102G>T on transcript NM_012268.4 (MANE Select); coding-DNA position 102, G replaced by T.
Protein change: p.Lys34Asn; replaces lysine 34 with asparagine.
Molecular consequence: missense variant.
Genome position (GRCh38, 1-based): chr19:40,366,684, G>T. VCF-style: chr19-40366684-G-T. GRCh37 (hg19) VCF-style: chr19-40872591-G-T.
Other names: c.102G>T, p.Lys34Asn (NM_001031696.4, NM_001291311.2); short protein forms K34N.
Identifiers: ClinVar variation 4797212 (VCV004797212.1).

ClinVar aggregate classification (germline): Uncertain significance (1 of 4 stars; one submission).

gnomAD v4.1: 4 of 1,609,614 alleles (0.00025%); highest among the groups gnomAD compares: South Asian, 0.0033%; no homozygotes.

Submission:

Labcorp Genetics (formerly Invitae), Labcorp
Classification: Uncertain significance. Last evaluated: 2025-02-23. Review status: criteria provided, single submitter. Criteria: Invitae Variant Classification Sherloc (09022015). Collection method: clinical testing. Allele origin: germline.
Comment: This sequence change replaces lysine, which is basic and polar, with asparagine, which is neutral and polar, at codon 34 of the PLD3 protein (p.Lys34Asn). This variant also falls at the last nucleotide of exon 4, which is part of the consensus splice site for this exon. This variant is not present in population databases (gnomAD no frequency). This variant has not been reported in the literature in individuals affected with PLD3-related conditions. An algorithm developed to predict the effect of missense changes on protein structure and function (PolyPhen-2) suggests that this variant is likely to be disruptive. Variants that disrupt the consensus splice site are a relatively common cause of aberrant splicing (PMID: 17576681, 9536098). Algorithms developed to predict the effect of sequence changes on RNA splicing suggest that this variant may disrupt the consensus splice site. In summary, the available evidence is currently insufficient to determine the role of this variant in disease. Therefore, it has been classified as a Variant of Uncertain Significance.

Literature cited by the submitters: PubMed 17576681; PubMed 9536098.